The following is an entry in ClinVar:

NM_001256071.3(RNF213):c.1789C>A (p.His597Asn)

Gene: RNF213 (ring finger protein 213; plus strand). Cytogenetic location: 17q25.3.
Variant type: single nucleotide variant.
Coding change: c.1789C>A on transcript NM_001256071.3 (MANE Select); coding-DNA position 1789, C replaced by A.
Protein change: p.His597Asn; replaces histidine 597 with asparagine.
Molecular consequence: missense variant.
Genome position (GRCh38, 1-based): chr17:80,295,590, C>A. VCF-style: chr17-80295590-C-A. GRCh37 (hg19) VCF-style: chr17-78269390-C-A.
Other names: c.1789C>A, p.His597Asn (NM_020954.4); short protein forms H597N.
Identifiers: ClinVar variation 1501276 (VCV001501276.6), dbSNP rs757513532, ClinGen allele CA8819653.

ClinVar aggregate classification (germline): Uncertain significance (1 of 4 stars; one submission).

Allele frequency attached by ClinVar (database versions not stated): ExAC 0.00001.

Submission:

Labcorp Genetics (formerly Invitae), Labcorp
Classification: Uncertain significance. Last evaluated: 2022-09-27. Review status: criteria provided, single submitter. Criteria: Invitae Variant Classification Sherloc (09022015). Collection method: clinical testing. Allele origin: germline.
Comment: This sequence change replaces histidine, which is basic and polar, with asparagine, which is neutral and polar, at codon 597 of the RNF213 protein (p.His597Asn). This variant is not present in population databases (gnomAD no frequency). This variant has not been reported in the literature in individuals affected with RNF213-related conditions. ClinVar contains an entry for this variant (Variation ID: 1501276). Advanced modeling of protein sequence and biophysical properties (such as structural, functional, and spatial information, amino acid conservation, physicochemical variation, residue mobility, and thermodynamic stability) performed at Invitae indicates that this missense variant is not expected to disrupt RNF213 protein function. In summary, the available evidence is currently insufficient to determine the role of this variant in disease. Therefore, it has been classified as a Variant of Uncertain Significance.